The following is an entry in ClinVar:

NM_001447.3(FAT2):c.11203C>G (p.Gln3735Glu)

Genes: FAT2 (FAT atypical cadherin 2; minus strand), SLC36A1 (solute carrier family 36 member 1; plus strand). Cytogenetic location: 5q33.1.
Variant type: single nucleotide variant.
Coding change: c.11203C>G on transcript NM_001447.3 (MANE Select); coding-DNA position 11203, C replaced by G.
Protein change: p.Gln3735Glu; replaces glutamine 3735 with glutamic acid.
Molecular consequence: missense variant.
Genome position (GRCh38, 1-based): chr5:151,521,390, G>C on the plus strand (C>G on the coding strand, the complement: FAT2 is on the minus strand). VCF-style: chr5-151521390-G-C. GRCh37 (hg19) VCF-style: chr5-150900951-G-C.
Other names: short protein forms Q3735E.
Identifiers: ClinVar variation 3724998 (VCV003724998.2).
Genomic context (GRCh38, chr5:151,521,390, plus strand): 5'-TGGCGGTGCTGTACGTGGGCCCAACCTTGGGGTCCAGATGCACTGTGTTATGGCAGATTT[G>C]ACCCTGGCAGGTTGGCCCCTGGCAGGGCACCATGGGCATAGCTGACCGCATCTGAACCCC-3'
Protein context (NP_001438.1, residues 3725-3745): VPCQGPTCQG[Gln3735Glu]ICHNTVHLDP

ClinVar aggregate classification (germline): Uncertain significance (1 of 4 stars; one submission).

gnomAD v4.1: 1 of 1,614,204 alleles (0.000062%); highest among the groups gnomAD compares: East Asian, 0.0022%; no homozygotes.

Submission:

Labcorp Genetics (formerly Invitae), Labcorp
Classification: Uncertain significance. Last evaluated: 2024-11-11. Review status: criteria provided, single submitter. Criteria: Invitae Variant Classification Sherloc (09022015). Collection method: clinical testing. Allele origin: germline.
Comment: This sequence change replaces glutamine, which is neutral and polar, with glutamic acid, which is acidic and polar, at codon 3735 of the FAT2 protein (p.Gln3735Glu). This variant is not present in population databases (gnomAD no frequency). This variant has not been reported in the literature in individuals affected with FAT2-related conditions. An algorithm developed to predict the effect of missense changes on protein structure and function (PolyPhen-2) suggests that this variant is likely to be tolerated. In summary, the available evidence is currently insufficient to determine the role of this variant in disease. Therefore, it has been classified as a Variant of Uncertain Significance.